The following is an entry in ClinVar:

NM_206933.4(USH2A):c.6304GAG[1] (p.Glu2103del)

Gene: USH2A (usherin; minus strand). Cytogenetic location: 1q41.
Variant type: Microsatellite.
Coding change: c.6304GAG[1] on transcript NM_206933.4 (MANE Select); one copy of the 3-base unit GAG starting at c.6304; the reference has two copies in a row; one copy, 3 bases deleted.
Protein change: p.Glu2103del; deletes glutamic acid 2103.
Molecular consequence: inframe deletion.
Genome position (GRCh38, 1-based): chr1:216,046,447-216,046,449, CTC deleted on the plus strand (GAG on the coding strand, the reverse complement: USH2A is on the minus strand); deleting any 3 consecutive bases within chr1:216,046,447-216,046,452 gives the same sequence; the position shown is the placement nearest the transcript's 3' end. VCF-style (leftmost placement, unchanged base first): chr1-216046446-TCTC-T. GRCh37 (hg19) VCF-style: chr1-216219788-TCTC-T.
Other names: short protein forms E2103del.
Identifiers: ClinVar variation 5003750 (VCV005003750.1).

ClinVar aggregate classification (germline): Uncertain significance (1 of 4 stars; one submission).

Conditions:
USH2A-related disorder. Also called: USH2A-related disorders; USH2A-related condition. Identifiers: MedGen CN239332.

Submission:

Myriad Genetics, Inc.
Classification: Uncertain significance for USH2A-related disorder. Last evaluated: 2026-07-15. Review status: criteria provided, single submitter. Criteria: Myriad Autosomal Dominant, Autosomal Recessive and X-Linked Classification Criteria (2023). Collection method: clinical testing. Allele origin: unknown.
Comment: NM_206933.2(USH2A):c.6307_6309delGAG(E2103del) is an in-frame deletion classified as a variant of uncertain significance in the context of USH2A-related disorders. E2103del has not been observed in cases with relevant disease. Relevant functional assessments of this variant are not available in the literature. E2103del has not been observed in referenced population frequency databases. In summary, there is insufficient evidence to classify NM_206933.2(USH2A):c.6307_6309delGAG(E2103del) as pathogenic or benign. Please note: this variant was assessed in the context of healthy population screening.